The following is an entry in ClinVar:

NM_001267550.2(TTN):c.67400C>T (p.Ser22467Phe)

Genes: TTN (titin; minus strand), TTN-AS1 (TTN antisense RNA 1; plus strand). Cytogenetic location: 2q31.2.
Variant type: single nucleotide variant.
Coding change: c.67400C>T on transcript NM_001267550.2 (MANE Select); coding-DNA position 67400, C replaced by T.
Protein change: p.Ser22467Phe; replaces serine 22467 with phenylalanine.
Molecular consequence: missense variant.
Genome position (GRCh38, 1-based): chr2:178,579,797, G>A on the plus strand (C>T on the coding strand, the complement: TTN is on the minus strand). VCF-style: chr2-178579797-G-A. GRCh37 (hg19) VCF-style: chr2-179444524-G-A.
Other names: c.62477C>T, p.Ser20826Phe (NM_001256850.1); c.40205C>T, p.Ser13402Phe (NM_003319.4); c.59696C>T, p.Ser19899Phe (NM_133378.4); c.40580C>T, p.Ser13527Phe (NM_133432.3); c.40781C>T, p.Ser13594Phe (NM_133437.4); short protein forms S13402F, S13527F, S13594F, S19899F, S20826F, S22467F.
Identifiers: ClinVar variation 3377846 (VCV003377846.1).

ClinVar aggregate classification (germline): Uncertain significance (1 of 4 stars; one submission).

Submission:

GeneDx
Classification: Uncertain significance. Last evaluated: 2024-05-15. Review status: criteria provided, single submitter. Criteria: GeneDx Variant Classification Process June 2021. Collection method: clinical testing. Allele origin: germline. Affected: yes.
Comment: Not observed at significant frequency in large population cohorts (gnomAD); Missense variant in a gene in which most reported pathogenic variants are truncating/loss of function; Has not been previously published as pathogenic or benign to our knowledge